The following is an entry in ClinVar:

ClinVar aggregate classification (germline): Uncertain significance (1 of 4 stars; one submission).

Submission:

GeneDx
Classification: Uncertain significance. Last evaluated: 2023-06-29. Review status: criteria provided, single submitter. Criteria: GeneDx Variant Classification Process June 2021. Collection method: clinical testing. Allele origin: germline. Affected: yes.
Comment: Not observed at significant frequency in large population cohorts (gnomAD); In silico analysis supports that this missense variant has a deleterious effect on protein structure/function; Has not been previously published as pathogenic or benign to our knowledge

NM_021815.5(SLC5A7):c.1354C>T (p.Pro452Ser)

Gene: SLC5A7 (solute carrier family 5 member 7; plus strand). Cytogenetic location: 2q12.3.
Variant type: single nucleotide variant.
Coding change: c.1354C>T on transcript NM_021815.5 (MANE Select); coding-DNA position 1354, C replaced by T.
Protein change: p.Pro452Ser; replaces proline 452 with serine.
Molecular consequence: missense variant.
Genome position (GRCh38, 1-based): chr2:108,010,472, C>T. VCF-style: chr2-108010472-C-T. GRCh37 (hg19) VCF-style: chr2-108626928-C-T.
Other names: c.1354C>T, p.Pro452Ser (NM_001305005.3); c.1039C>T, p.Pro347Ser (NM_001305006.3); c.613C>T, p.Pro205Ser (NM_001305007.3); short protein forms P205S, P347S, P452S.
Identifiers: ClinVar variation 3360408 (VCV003360408.1).
Genomic context (GRCh38, chr2:108,010,472, plus strand): 5'-ACCTATGGGGCCGTGGCAGGTTATGTTTCTGGCCTCTTCCTGAGAATAACTGGAGGGGAG[C>T]CATATCTGTATCTTCAGCCCTTGATCTTCTACCCTGGCTATTACCCTGATGATAATGGTA-3'
Protein context (NP_068587.1, residues 442-462): GLFLRITGGE[Pro452Ser]YLYLQPLIFY